The following is an entry in ClinVar:

NM_181336.4(LEMD2):c.524C>T (p.Ser175Phe)

Gene: LEMD2 (LEM domain nuclear envelope protein 2; minus strand). Cytogenetic location: 6p21.31.
Variant type: single nucleotide variant.
Coding change: c.524C>T on transcript NM_181336.4 (MANE Select); coding-DNA position 524, C replaced by T.
Protein change: p.Ser175Phe; replaces serine 175 with phenylalanine.
Molecular consequence: missense variant. On other transcripts: intron variant (2).
Genome position (GRCh38, 1-based): chr6:33,788,593, G>A on the plus strand (C>T on the coding strand, the complement: LEMD2 is on the minus strand). VCF-style: chr6-33788593-G-A. GRCh37 (hg19) VCF-style: chr6-33756370-G-A.
Other names: c.342+182C>T (NM_001348710.2); c.-171+182C>T (NM_001348709.2); short protein forms S175F.
Identifiers: ClinVar variation 4754635 (VCV004754635.1).

ClinVar aggregate classification (germline): Uncertain significance (1 of 4 stars; one submission).

gnomAD v4.1: 68 of 1,290,926 alleles (0.0053%); highest among the groups gnomAD compares: Non-Finnish European, 0.0061%; no homozygotes.

Submission:

Labcorp Genetics (formerly Invitae), Labcorp
Classification: Uncertain significance. Last evaluated: 2025-10-11. Review status: criteria provided, single submitter. Criteria: Invitae Variant Classification Sherloc (09022015). Collection method: clinical testing. Allele origin: germline.
Comment: This sequence change replaces serine, which is neutral and polar, with phenylalanine, which is neutral and non-polar, at codon 175 of the LEMD2 protein (p.Ser175Phe). This variant is present in population databases (no rsID available, gnomAD 0.06%). This variant has not been reported in the literature in individuals affected with LEMD2-related conditions. An algorithm developed to predict the effect of missense changes on protein structure and function (PolyPhen-2) suggests that this variant is likely to be tolerated. In summary, the available evidence is currently insufficient to determine the role of this variant in disease. Therefore, it has been classified as a Variant of Uncertain Significance.